The following is an entry in ClinVar:

NM_000342.4(SLC4A1):c.884G>A (p.Arg295His)

Gene: SLC4A1 (solute carrier family 4 member 1 (Diego blood group); minus strand). Cytogenetic location: 17q21.31.
Variant type: single nucleotide variant.
Coding change: c.884G>A on transcript NM_000342.4 (MANE Select); coding-DNA position 884, G replaced by A.
Protein change: p.Arg295His; replaces arginine 295 with histidine.
Molecular consequence: missense variant.
Genome position (GRCh38, 1-based): chr17:44,258,616, C>T on the plus strand (G>A on the coding strand, the complement: SLC4A1 is on the minus strand). VCF-style: chr17-44258616-C-T. GRCh37 (hg19) VCF-style: chr17-42335984-C-T.
Other names: short protein forms R295H.
Identifiers: ClinVar variation 323512 (VCV000323512.13), dbSNP rs140424071, ClinGen allele CA8600428.

ClinVar aggregate classification (germline): Benign/Likely benign. Review status: criteria provided, multiple submitters, no conflicts (2 of 4 stars). 5 submissions from 3 submitters: Benign (1); Likely benign (4). Last evaluated 2025-12-23.

Conditions:
Hereditary spherocytosis type 4. Also called: SLC4A1-Related Spherocytosis. Identifiers: Orphanet 822, MedGen C2675212, MONDO:0012981, OMIM 612653.
Autosomal dominant distal renal tubular acidosis (DRTA1). Also called: RTA, CLASSIC TYPE; RTA, DISTAL TYPE, AUTOSOMAL DOMINANT; RTA, GRADIENT TYPE; Renal Tubular Acidosis, Type I; RENAL TUBULAR ACIDOSIS, DISTAL, 1. Identifiers: Orphanet 93608, MedGen CN280572, MONDO:0008368, OMIM 179800.
Hemolytic anemia. Identifiers: MedGen C0002878, MONDO:0003664, HP:0001878.

Allele frequency attached by ClinVar (database versions not stated): TOPMed 0.00058; gnomAD 0.00064 and 0.00065; ExAC 0.00075; ESP Exome Variant Server 0.00116.
gnomAD v4.1: 1,422 of 1,596,208 alleles (0.089%); highest among the groups gnomAD compares: Non-Finnish European, 0.1%; 1 homozygote.

Submissions (5):

Labcorp Genetics (formerly Invitae), Labcorp
Classification: Likely benign. Last evaluated: 2025-12-23. Review status: criteria provided, single submitter. Criteria: Invitae Variant Classification Sherloc (09022015). Collection method: clinical testing. Allele origin: germline.

ARUP Laboratories, Molecular Genetics and Genomics, ARUP Laboratories
Classification: Likely benign. Last evaluated: 2024-04-15. Review status: criteria provided, single submitter. Criteria: ARUP Molecular Germline Variant Investigation Process 2024. Collection method: clinical testing. Allele origin: germline.

Illumina Laboratory Services, Illumina
Classification: Likely benign for Hereditary spherocytosis type 4. Last evaluated: 2018-01-13. Review status: criteria provided, single submitter. Criteria: ICSL Variant Classification Criteria 13 December 2019. Collection method: clinical testing. Allele origin: germline.
Comment: This variant was observed in the ICSL laboratory as part of a predisposition screen in an ostensibly healthy population. It had not been previously curated by ICSL or reported in the Human Gene Mutation Database (HGMD: prior to June 1st, 2018), and was therefore a candidate for classification through an automated scoring system. Utilizing variant allele frequency, disease prevalence and penetrance estimates, and inheritance mode, an automated score was calculated to assess if this variant is too frequent to cause the disease. Based on the score and internal cut-off values, a variant classified as likely benign is not then subjected to further curation. The score for this variant resulted in a classification of likely benign for this disease.

Illumina Laboratory Services, Illumina
Classification: Benign for Autosomal dominant distal renal tubular acidosis. Last evaluated: 2018-01-13. Review status: criteria provided, single submitter. Criteria: ICSL Variant Classification Criteria 13 December 2019. Collection method: clinical testing. Allele origin: germline.
Comment: This variant was observed in the ICSL laboratory as part of a predisposition screen in an ostensibly healthy population. It had not been previously curated by ICSL or reported in the Human Gene Mutation Database (HGMD: prior to June 1st, 2018), and was therefore a candidate for classification through an automated scoring system. Utilizing variant allele frequency, disease prevalence and penetrance estimates, and inheritance mode, an automated score was calculated to assess if this variant is too frequent to cause the disease. Based on the score and internal cut-off values, a variant classified as benign is not then subjected to further curation. The score for this variant resulted in a classification of benign for this disease.

Illumina Laboratory Services, Illumina
Classification: Likely benign for Hemolytic anemia. Last evaluated: 2018-01-13. Review status: criteria provided, single submitter. Criteria: ICSL Variant Classification Criteria 13 December 2019. Collection method: clinical testing. Allele origin: germline.
Comment: the same text as in the submission from Illumina Laboratory Services, Illumina above.